The following is an entry in ClinVar:

ClinVar aggregate classification (germline): Uncertain significance (0 of 4 stars; one submission).

Conditions:
Cortical dysplasia-focal epilepsy syndrome (PTHSL1). Also called: Pitt-Hopkins-like syndrome 1. Identifiers: Orphanet 163681, Orphanet 221150, MedGen C2750246, MONDO:0012400, OMIM 610042.

Submission:

St. Anna Children's Cancer Research Institute (CCRI)
Classification: Uncertain significance for Cortical dysplasia-focal epilepsy syndrome. Last evaluated: 2023-02-08. Review status: no assertion criteria provided. Collection method: research. Allele origin: de novo. Inheritance: Autosomal dominant inheritance. Affected: yes. Observed: 1 heterozygote.
Comment: ACMG classification of pathogenicity: PM2, PP3, PS2

NM_014141.6(CNTNAP2):c.3814A>T (p.Ile1272Phe)

Gene: CNTNAP2 (contactin associated protein 2; plus strand). Cytogenetic location: 7q36.1.
Variant type: single nucleotide variant.
Coding change: c.3814A>T on transcript NM_014141.6 (MANE Select); coding-DNA position 3814, A replaced by T.
Protein change: p.Ile1272Phe; replaces isoleucine 1272 with phenylalanine.
Molecular consequence: missense variant.
Genome position (GRCh38, 1-based): chr7:148,415,434, A>T. VCF-style: chr7-148415434-A-T. GRCh37 (hg19) VCF-style: chr7-148112526-A-T.
Other names: short protein forms I1272F.
Identifiers: ClinVar variation 2429108 (VCV002429108.4), dbSNP rs2485759981, ClinGen allele CA369706677.